The following is an entry in ClinVar:

ClinVar aggregate classification (germline): Uncertain significance (1 of 4 stars; one submission).

gnomAD v4.1: 1 of 1,613,978 alleles (0.000062%); highest among the groups gnomAD compares: Middle Eastern, 0.017%; no homozygotes.

Submission:

Labcorp Genetics (formerly Invitae), Labcorp
Classification: Uncertain significance. Last evaluated: 2025-06-30. Review status: criteria provided, single submitter. Criteria: Invitae Variant Classification Sherloc (09022015). Collection method: clinical testing. Allele origin: germline.
Comment: This sequence change replaces glutamic acid, which is acidic and polar, with lysine, which is basic and polar, at codon 1224 of the NBAS protein (p.Glu1224Lys). This variant is not present in population databases (gnomAD no frequency). This variant has not been reported in the literature in individuals affected with NBAS-related conditions. Invitae Evidence Modeling of protein sequence and biophysical properties (such as structural, functional, and spatial information, amino acid conservation, physicochemical variation, residue mobility, and thermodynamic stability) indicates that this missense variant is not expected to disrupt NBAS protein function with a negative predictive value of 95%. In summary, the available evidence is currently insufficient to determine the role of this variant in disease. Therefore, it has been classified as a Variant of Uncertain Significance.

NM_015909.4(NBAS):c.3670G>A (p.Glu1224Lys)

Gene: NBAS (NBAS subunit of NRZ tethering complex; minus strand). Cytogenetic location: 2p24.3.
Variant type: single nucleotide variant.
Coding change: c.3670G>A on transcript NM_015909.4 (MANE Select); coding-DNA position 3670, G replaced by A.
Protein change: p.Glu1224Lys; replaces glutamic acid 1224 with lysine.
Molecular consequence: missense variant. On other transcripts: non-coding transcript variant (1).
Genome position (GRCh38, 1-based): chr2:15,374,641, C>T on the plus strand (G>A on the coding strand, the complement: NBAS is on the minus strand). VCF-style: chr2-15374641-C-T. GRCh37 (hg19) VCF-style: chr2-15514765-C-T.
Other names: short protein forms E1224K.
Identifiers: ClinVar variation 4697939 (VCV004697939.1).